The following is an entry in ClinVar:

ClinVar aggregate classification (germline): Likely benign (1 of 4 stars; one submission).

gnomAD v4.1: 1 of 1,613,544 alleles (0.000062%); highest among the groups gnomAD compares: Non-Finnish European, 0.000085%; no homozygotes.

Submission:

CeGaT Center for Human Genetics Tuebingen
Classification: Likely benign. Last evaluated: 2024-06-01. Review status: criteria provided, single submitter. Criteria: CeGaT Center For Human Genetics Tuebingen Variant Classification Criteria Version 2. Collection method: clinical testing. Allele origin: germline. Affected: yes. Observed: 1 variant allele.
Comment: PCYT2: PM2:Supporting, BP4, BP7

NM_002861.5(PCYT2):c.729C>T (p.Pro243=)

Gene: PCYT2 (phosphate cytidylyltransferase 2, ethanolamine; minus strand). Cytogenetic location: 17q25.3.
Variant type: single nucleotide variant.
Coding change: c.729C>T on transcript NM_002861.5 (MANE Select); coding-DNA position 729, C replaced by T.
Protein change: p.Pro243=; no amino-acid change (proline 243 retained).
Molecular consequence: synonymous variant.
Genome position (GRCh38, 1-based): chr17:81,906,494, G>A on the plus strand (C>T on the coding strand, the complement: PCYT2 is on the minus strand). VCF-style: chr17-81906494-G-A. GRCh37 (hg19) VCF-style: chr17-79864370-G-A.
Other names: c.783C>T, p.Pro261= (NM_001184917.3); c.567C>T, p.Pro189= (NM_001256433.3); c.606C>T, p.Pro202= (NM_001256434.3); c.495C>T, p.Pro165= (NM_001256435.3, NM_001282203.2); c.633C>T, p.Pro211= (NM_001282204.2); c.729C>T, p.Pro243= (NM_001330518.2).
Identifiers: ClinVar variation 3250982 (VCV003250982.18), dbSNP rs2510047250.